The following is an entry in ClinVar:

NM_001177701.3(IFT27):c.352+1G>T

Genes: CACNG2-DT (CACNG2 divergent transcript; plus strand), IFT27 (intraflagellar transport 27; minus strand). Cytogenetic location: 22q12.3.
Variant type: single nucleotide variant.
Coding change: c.352+1G>T on transcript NM_001177701.3 (MANE Select); the canonical splice donor site of the intron after coding-DNA position 352, G replaced by T.
Molecular consequence: splice donor variant.
Genome position (GRCh38, 1-based): chr22:36,763,918, C>A on the plus strand (G>T on the coding strand, the complement: IFT27 is on the minus strand). VCF-style: chr22-36763918-C-A. GRCh37 (hg19) VCF-style: chr22-37159962-C-A.
Other names: IVS5, G-T, +1; c.352+1G>T (NM_001363003.2); c.349+1G>T (NM_006860.5).
Identifiers: ClinVar variation 585274 (VCV000585274.16), dbSNP rs780659194, ClinGen allele CA10212405.

ClinVar aggregate classification (germline): Pathogenic/Likely pathogenic. Review status: criteria provided, multiple submitters, no conflicts (2 of 4 stars). 5 submissions from 5 submitters: Pathogenic (3); Likely pathogenic (1). 1 of the submissions does not count toward it. Last evaluated 2026-02-17.

Conditions:
IFT27-related disorder. Also called: IFT27-related condition.
Bardet-Biedl syndrome 19 (BBS19). Identifiers: Orphanet 110, MedGen C3889475, MONDO:0014447, OMIM 615996.
IFT27-related disorders.
Bardet-Biedl syndrome (BBS). Identifiers: Orphanet 110, MedGen C0752166, MONDO:0015229.

Allele frequency attached by ClinVar (database versions not stated): TOPMed 0.00008; gnomAD exomes 0.00009; ExAC 0.00011.
gnomAD v4.1: 94 of 1,604,688 alleles (0.0059%); highest among the groups gnomAD compares: Non-Finnish European, 0.0078%; no homozygotes.

Submissions (6):

PreventionGenetics, part of Exact Sciences
Classification: Pathogenic for IFT27-related condition. Last evaluated: 2026-02-17. Review status: criteria provided, single submitter. Criteria: ACMG Guidelines, 2015. Collection method: clinical testing. Allele origin: germline.
Comment: The IFT27 c.349+1G>T variant is predicted to disrupt the GT donor site and interfere with normal splicing. On an alternate transcript (NM_001177701.2), this variant is referred to as c.352+1G>T. This variant was reported in the compound heterozygous state in two individuals with features consistent with Bardet-Biedl syndrome (Schaefer et al. 2019. PubMed ID: 30761183; Quélin et al. 2018. PubMed ID: 29704304). This variant is reported in 0.019% of alleles in individuals of European (Non-Finnish) descent in gnomAD. Variants that disrupt the consensus splice donor site in IFT27 are expected to be pathogenic. This variant is interpreted as pathogenic.

Labcorp Genetics (formerly Invitae), Labcorp
Classification: Pathogenic. Last evaluated: 2025-08-02. Review status: criteria provided, single submitter. Criteria: Invitae Variant Classification Sherloc (09022015). Collection method: clinical testing. Allele origin: germline.
Comment: This sequence change affects a donor splice site in intron 5 of the IFT27 gene. RNA analysis indicates that disruption of this splice site induces altered splicing and likely results in a shortened protein product. This variant is present in population databases (rs780659194, gnomAD 0.02%). Disruption of this splice site has been observed in individual(s) with clinical features of IFT27-related conditions (PMID: 29704304, 30761183). In at least one individual the data is consistent with being in trans (on the opposite chromosome) from a pathogenic variant. This variant is also known as c.352+1G>T. ClinVar contains an entry for this variant (Variation ID: 585274). Studies have shown that disruption of this splice site results in skipping of exons 4-5 and 4-6, but is expected to preserve the integrity of the reading-frame (PMID: 30761183). For these reasons, this variant has been classified as Pathogenic.

Blueprint Genetics
Classification: Likely pathogenic for IFT27-related disorders. Last evaluated: 2024-03-22. Review status: criteria provided, single submitter. Criteria: ACMG Guidelines, 2015. Collection method: clinical testing. Allele origin: germline. Affected: yes. Observed: 5 variant alleles.

Laboratory of Medical Genetics (UMR_S 1112), INSERM/Strasbourg University
Classification: Pathogenic for Bardet-Biedl syndrome. Last evaluated: 2018-09-15. Review status: criteria provided, single submitter. Criteria: Schaefer et al. (Front Genet. 2019). Collection method: clinical testing, research. Allele origin: maternal. Inheritance: Autosomal recessive inheritance. Affected: yes. Observed: 1 variant allele.
Comment: Mutation affecting splicing (functional study in submitter's publication)

OMIM
Classification: Pathogenic for BARDET-BIEDL SYNDROME 19. Last evaluated: 2021-07-16. Review status: no assertion criteria provided. Collection method: literature only. Allele origin: germline. Not counted in ClinVar's aggregate classification.

Dr. Peter K. Rogan Lab, Western University
No classification provided (evidence only). Condition: Hepatocellular carcinoma. Review status: no classification provided. Collection method: in vitro. Allele origin: not applicable. Functional consequence: retained intron. Not counted in ClinVar's aggregate classification.

Literature cited by the submitters: PubMed 29704304 (cited by Labcorp Genetics (formerly Invitae), Labcorp); PubMed 30761183 (cited by Labcorp Genetics (formerly Invitae), Labcorp and OMIM).